The following is an entry in ClinVar:

NM_001009944.3(PKD1):c.3728G>A (p.Trp1243Ter)

Gene: PKD1 (polycystin 1, transient receptor potential channel interacting; minus strand). Cytogenetic location: 16p13.3.
Variant type: single nucleotide variant.
Coding change: c.3728G>A on transcript NM_001009944.3 (MANE Select); coding-DNA position 3728, G replaced by A.
Protein change: p.Trp1243Ter; replaces tryptophan 1243 with a stop codon.
Molecular consequence: nonsense.
Genome position (GRCh38, 1-based): chr16:2,111,439, C>T on the plus strand (G>A on the coding strand, the complement: PKD1 is on the minus strand). VCF-style: chr16-2111439-C-T. GRCh37 (hg19) VCF-style: chr16-2161440-C-T.
Other names: c.3728G>A, p.Trp1243Ter (NM_000296.4); short protein forms W1243*.
Identifiers: ClinVar variation 997406 (VCV000997406.37), dbSNP rs2092501974, ClinGen allele CA394382487.

ClinVar aggregate classification (germline): Pathogenic. Review status: criteria provided, multiple submitters, no conflicts (2 of 4 stars). 6 submissions from 6 submitters: Pathogenic (5). 1 of the submissions does not count toward it. Last evaluated 2026-05-25.

Conditions:
Autosomal dominant polycystic kidney disease. Identifiers: Orphanet 730, MedGen C0085413, MONDO:0004691.
Polycystic kidney disease, adult type (PKD1). Also called: Polycystic Kidney, Autosomal Dominant; POLYCYSTIC KIDNEY DISEASE, ADULT, TYPE I; Polycystic Kidney Disease 1, Autosomal Dominant; Polycystic kidney disease 1; Polycystic kidney disease 1, severe; POLYCYSTIC KIDNEY DISEASE 1 WITH OR WITHOUT POLYCYSTIC LIVER DISEASE. Identifiers: MedGen C3149841, MONDO:0008263, OMIM 173900.
PKD1-related disorder. Also called: PKD1-related condition.
Polycystic kidney disease. Also called: Kidney, Polycystic; Polycystic kidney dysplasia. Identifiers: MedGen C0022680, MeSH D007690, MONDO:0020642, HP:0000113.

Submissions (6):

Victorian Clinical Genetics Services, Murdoch Childrens Research Institute
Classification: Pathogenic for Polycystic kidney disease, adult type. Last evaluated: 2026-05-25. Review status: criteria provided, single submitter. Criteria: ACMG Guidelines, 2015. Collection method: clinical testing. Allele origin: germline. Affected: yes.
Comment: This variant is classified as Pathogenic. Evidence in support of pathogenic classification: Variant is predicted to cause nonsense-mediated decay (NMD) and loss of protein (premature termination codon is located at least 54 nucleotides upstream of the final exon-exon junction); Variant is absent from gnomAD (v2, v3 and v4); This variant has strong previous evidence of pathogenicity in unrelated individuals. This variant has been classified as pathogenic by clinical laboratories in ClinVar. In addition, an alternative nucleotide substitution resulting in the same NMD-predicted consequence, c.3729G>A, has been classified as pathogenic by a clinical laboratory in ClinVar and reported in the literature in an individual with autosomal dominant polycystic kidney disease (PMID: 22508176); Other NMD-predicted variant(s) comparable to the one identified in this case have very strong previous evidence for pathogenicity (DECIPHER). Additional information: This variant is heterozygous; This gene is associated with autosomal dominant disease. Polycystic kidney disease 1 (MIM#173900) is predominantly caused by monoallelic variants, with rare reports of biallelic variants causing disease (OMIM); Loss of function is a known mechanism of disease in this gene and is associated with polycystic kidney disease 1 (MIM#173900); Inheritance information for this variant is not currently available in this individual.

Variantyx, Inc.
Classification: Pathogenic for Polycystic kidney disease, adult type. Last evaluated: 2025-05-05. Review status: criteria provided, single submitter. Criteria: Variantyx Assertion Criteria 2022. Collection method: clinical testing. Allele origin: germline. Inheritance: Autosomal dominant inheritance. Affected: yes.
Comment: This is a nonsense variant in the PKD1 gene (OMIM: 601313). Pathogenic variants in this gene have been associated with autosomal dominant polycystic kidney disease 1. This variant introduces a premature termination codon in exon 15 out of 46and is expected to result in loss of function, which is a known disease mechanism for PKD1 in this disorder (PMID: 29529603, 38527221) (PVS1). This variant has been reported in at least 2 unrelated affected individuals (PMID: 38527221, 22508176) (PS4_Moderate), while it is absent from control populations (PM2). Based on the current evidence, this variant is classified as pathogenic for autosomal dominant polycystic kidney disease 1.

Blueprint Genetics
Classification: Pathogenic for PKD1-related disorders. Last evaluated: 2024-06-13. Review status: criteria provided, single submitter. Criteria: ACMG Guidelines, 2015. Collection method: clinical testing. Allele origin: germline. Affected: yes. Observed: 2 variant alleles.

Molecular Genetics, Royal Melbourne Hospital
Classification: Pathogenic for Autosomal dominant polycystic kidney disease. Last evaluated: 2024-03-01. Review status: criteria provided, single submitter. Criteria: ACMG Guidelines, 2015. Collection method: clinical testing. Allele origin: germline. Inheritance: Autosomal dominant inheritance. Affected: yes.
Comment: This sequence change in PKD1 is a nonsense variant predicted to cause a premature stop codon, p.(Trp1243*), in biologically relevant exon 15 of 46 leading to nonsense-mediated decay in a gene in which loss-of-function is an established disease mechanism. This variant is absent from the population database gnomAD v4.0. This variant has been reported in at least one individual with a clinical diagnosis of autosomal dominant polycystic kidney disease (PMID: 22508176). Based on the classification scheme RMH Modified ACMG/AMP Guidelines v1.6.1, this variant is classified as PATHOGENIC. Following criteria are met: PVS1, PM2_Supporting, PS4_Supporting

CeGaT Center for Human Genetics Tuebingen
Classification: Pathogenic. Last evaluated: 2022-04-01. Review status: criteria provided, single submitter. Criteria: CeGaT Center For Human Genetics Tuebingen Variant Classification Criteria Version 2. Collection method: clinical testing. Allele origin: germline. Affected: yes. Observed: 3 variant alleles.
Comment: PKD1: PVS1, PM2

Department of Pathology and Laboratory Medicine, Sinai Health System
Classification: Pathogenic for Polycystic Kidney disease. Review status: no assertion criteria provided. Collection method: clinical testing. Allele origin: unknown. Affected: yes. Study: The Canadian Open Genetics Repository (COGR). Not counted in ClinVar's aggregate classification.
Comment: The PKD1 p.Trp1243X variant was identified in 1 of 1400 proband chromosomes (frequency: 0.001) from individuals or families with ADPKD, and was not identified in 1200 control chromosomes from healthy individuals (AudrâˆšÂ©zet 2012). The variant was also identified in the ADPKD Mutation Database (as definitely pathogenic). This variant was not identified in dbSNP, the 1000 Genomes Project, the NHLBI Exome Sequencing Project, the Exome Aggregation Consortium, the Genome Aggregation Database, GeneInsight-COGR, ClinVar, Clinvitae, MutDB, PKD1-LOVD, and PKD1-LOVD 3.0. The p.Trp1243X variant leads to a premature stop codon at position 1243, which is predicted to lead to a truncated or absent protein and loss of function. Loss of function variants of the PKD1 gene are an established mechanism of disease in autosomal dominant polycystic kidney disease and is the type of variant expected to cause the disorder. In summary, based on the above information, this variant meets our laboratoryâ€šÃ„Ã´s criteria to be classified as pathogenic.

Literature cited by the submitters: PubMed 22508176 (cited by 3 submitters); PubMed 29529603 (cited by Variantyx, Inc.); PubMed 38527221 (cited by Variantyx, Inc.).